The following is an entry in ClinVar:

NM_001376.5(DYNC1H1):c.7290C>T (p.Asn2430=)

Gene: DYNC1H1 (dynein cytoplasmic 1 heavy chain 1; plus strand). Cytogenetic location: 14q32.31.
Variant type: single nucleotide variant.
Coding change: c.7290C>T on transcript NM_001376.5 (MANE Select); coding-DNA position 7290, C replaced by T.
Protein change: p.Asn2430=; no amino-acid change (asparagine 2430 retained).
Molecular consequence: synonymous variant.
Genome position (GRCh38, 1-based): chr14:102,015,903, C>T. VCF-style: chr14-102015903-C-T. GRCh37 (hg19) VCF-style: chr14-102482240-C-T.
Identifiers: ClinVar variation 382442 (VCV000382442.23), dbSNP rs112811548, ClinGen allele CA7352789.
Genomic context (GRCh38, chr14:102,015,903, plus strand): 5'-TTCCACTTTCTAGATCCAAAGAGATGCAGCTACGATCATGCAACCGTACTTCACGTCCAA[C>T]GGCCTGGTCACCAAGGCGCTAGAGCACGCCTTCCAGCTGGAGCACATCATGGACCTAACA-3'
Protein context (NP_001367.2, residues 2420-2440): ATIMQPYFTS[Asn2430=]GLVTKALEHA

ClinVar aggregate classification (germline): Benign/Likely benign. Review status: criteria provided, multiple submitters, no conflicts (2 of 4 stars). 7 submissions from 7 submitters: Benign (1); Likely benign (6). Last evaluated 2026-03-01.

Conditions:
DYNC1H1-related disorder. Also called: DYNC1H1-related condition; DYNC1H1-related disorders. Identifiers: MedGen CN381529.
Inborn genetic diseases. Identifiers: MedGen C0950123, MeSH D030342.
Charcot-Marie-Tooth disease axonal type 2O. Also called: CHARCOT-MARIE-TOOTH NEUROPATHY, AXONAL, TYPE 2O; CHARCOT-MARIE-TOOTH DISEASE, AXONAL, AUTOSOMAL DOMINANT, TYPE 2O; Charcot-Marie-Tooth disease, axonal, type 20; Charcot-Marie-Tooth Neuropathy Type 2O. Identifiers: Orphanet 284232, MedGen C3280220, MONDO:0013644, OMIM 614228.
Charcot-Marie-Tooth disease. Also called: Charcot-Marie-Tooth Hereditary Neuropathy; Charcot-Marie-Tooth Neuropathy. Identifiers: Orphanet 166, MedGen C0007959, MONDO:0015626.

Allele frequency attached by ClinVar (database versions not stated): TOPMed 0.00012; ExAC 0.00013; gnomAD exomes 0.00013 and 0.00017; gnomAD 0.00015 and 0.00017; ESP Exome Variant Server 0.00023.
gnomAD v4.1: 279 of 1,614,260 alleles (0.017%); highest among the groups gnomAD compares: African/African-American, 0.032%; no homozygotes.

Submissions (7):

CeGaT Center for Human Genetics Tuebingen
Classification: Likely benign. Last evaluated: 2026-03-01. Review status: criteria provided, single submitter. Criteria: CeGaT Center For Human Genetics Tuebingen Variant Classification Criteria Version 2. Collection method: clinical testing. Allele origin: germline. Affected: yes. Observed: 1 variant allele.
Comment: DYNC1H1: BP4, BP7

Labcorp Genetics (formerly Invitae), Labcorp
Classification: Likely benign for Charcot-Marie-Tooth disease axonal type 2O. Last evaluated: 2025-10-13. Review status: criteria provided, single submitter. Criteria: Invitae Variant Classification Sherloc (09022015). Collection method: clinical testing. Allele origin: germline.

PreventionGenetics, part of Exact Sciences
Classification: Likely benign for DYNC1H1-related condition. Last evaluated: 2025-05-07. Review status: criteria provided, single submitter. Criteria: ACMG Guidelines, 2015. Collection method: clinical testing. Allele origin: germline.
Comment: This variant is classified as likely benign based on ACMG/AMP sequence variant interpretation guidelines (Richards et al. 2015 PMID: 25741868, with internal and published modifications).

Athena Diagnostics
Classification: Benign. Last evaluated: 2017-10-16. Review status: criteria provided, single submitter. Criteria: Athena Diagnostics Criteria. Collection method: clinical testing. Allele origin: germline.

Ambry Genetics
Classification: Likely benign for Inborn genetic diseases. Last evaluated: 2017-04-03. Review status: criteria provided, single submitter. Criteria: Ambry Variant Classification Scheme 2023. Collection method: clinical testing. Allele origin: germline.

GeneDx
Classification: Likely benign. Last evaluated: 2016-01-09. Review status: criteria provided, single submitter. Criteria: GeneDx Variant Classification (06012015). Collection method: clinical testing. Allele origin: germline. Affected: yes.
Comment: This variant is considered likely benign or benign based on one or more of the following criteria: it is a conservative change, it occurs at a poorly conserved position in the protein, it is predicted to be benign by multiple in silico algorithms, and/or has population frequency not consistent with disease.

Molecular Genetics Laboratory, London Health Sciences Centre
Classification: Likely benign for Charcot-Marie-Tooth disease. Review status: criteria provided, single submitter. Criteria: ACMG Guidelines, 2015. Collection method: clinical testing. Allele origin: germline. Affected: yes.